The following is an entry in ClinVar:

ClinVar aggregate classification (germline): Uncertain significance (1 of 4 stars; one submission).

Submission:

Ambry Genetics
Classification: Uncertain significance. Last evaluated: 2026-07-27. Review status: criteria provided, single submitter. Criteria: Ambry Variant Classification Scheme 2023. Collection method: clinical testing. Allele origin: germline.
Comment: The p.S1066Y variant (also known as c.3197C>A), located in coding exon 12 of the CDK12 gene, results from a C to A substitution at nucleotide position 3197. The serine at codon 1066 is replaced by tyrosine, an amino acid with dissimilar properties. This amino acid position is conserved. In addition, this alteration is predicted to be tolerated by in silico analysis. Based on the available evidence, the clinical significance of this variant remains unclear.

NM_016507.4(CDK12):c.3197C>A (p.Ser1066Tyr)

Gene: CDK12 (cyclin dependent kinase 12; plus strand). Cytogenetic location: 17q12.
Variant type: single nucleotide variant.
Coding change: c.3197C>A on transcript NM_016507.4 (MANE Select); coding-DNA position 3197, C replaced by A.
Protein change: p.Ser1066Tyr; replaces serine 1066 with tyrosine.
Molecular consequence: missense variant.
Genome position (GRCh38, 1-based): chr17:39,524,775, C>A. VCF-style: chr17-39524775-C-A. GRCh37 (hg19) VCF-style: chr17-37681028-C-A.
Other names: c.3197C>A, p.Ser1066Tyr (NM_015083.4); short protein forms S1066Y.
Identifiers: ClinVar variation 5034115 (VCV005034115.1).